The following is an entry in ClinVar:

NM_152564.5(VPS13B):c.1644T>G (p.Ser548Arg)

Gene: VPS13B (vacuolar protein sorting 13 homolog B; plus strand). Cytogenetic location: 8q22.2.
Variant type: single nucleotide variant.
Coding change: c.1644T>G on transcript NM_152564.5 (MANE Select); coding-DNA position 1644, T replaced by G.
Protein change: p.Ser548Arg; replaces serine 548 with arginine.
Molecular consequence: missense variant.
Genome position (GRCh38, 1-based): chr8:99,136,745, T>G. VCF-style: chr8-99136745-T-G. GRCh37 (hg19) VCF-style: chr8-100148973-T-G.
Other names: c.1644T>G, p.Ser548Arg (NM_015243.3, NM_017890.5); short protein forms S548R.
Identifiers: ClinVar variation 4994549 (VCV004994549.1).

ClinVar aggregate classification (germline): Uncertain significance (1 of 4 stars; one submission).

Conditions:
VPS13B-related disorder. Also called: VPS13B-related condition.

Submission:

PreventionGenetics, part of Exact Sciences
Classification: Uncertain significance for VPS13B-related condition. Last evaluated: 2025-08-26. Review status: criteria provided, single submitter. Criteria: ACMG Guidelines, 2015. Collection method: clinical testing. Allele origin: germline.
Comment: The VPS13B c.1644T>G variant is predicted to result in the amino acid substitution p.Ser548Arg. To our knowledge, this variant has not been reported in the literature or in a large population database (gnomAD), indicating this variant is rare. At this time, the clinical significance of this variant is uncertain due to the absence of conclusive functional and genetic evidence.